The following is an entry in ClinVar:

NM_017813.5(BPNT2):c.*5302C>T

Gene: BPNT2 (3'(2'), 5'-bisphosphate nucleotidase 2; minus strand). Cytogenetic location: 8q12.1.
Variant type: single nucleotide variant.
Coding change: c.*5302C>T on transcript NM_017813.5 (MANE Select); 5302 bases downstream of the stop codon, C replaced by T.
Molecular consequence: 3 prime UTR variant.
Genome position (GRCh38, 1-based): chr8:56,958,491, G>A on the plus strand (C>T on the coding strand, the complement: BPNT2 is on the minus strand). VCF-style: chr8-56958491-G-A. GRCh37 (hg19) VCF-style: chr8-57871050-G-A.
Identifiers: ClinVar variation 363332 (VCV000363332.5), dbSNP rs10763, ClinGen allele CA10625605.
Genomic context (GRCh38, chr8:56,958,491, plus strand): 5'-TGGTAGTATGGGTGAGGAAGGTCATAACACGCTAAGTAAACTGGTGTCTAAGCATGTGAC[G>A]GCAACAGCTAATGGTCTAGTTCCTCCATGGCTTTAAATGCATGAAAGGGAAAAGAGTATT-3'

ClinVar aggregate classification (germline): Likely benign (1 of 4 stars; one submission).

Conditions:
Chondrodysplasia with joint dislocations, gPAPP type. Also called: GPAPP DEFICIENCY. Identifiers: Orphanet 280586, MedGen C3279757, MONDO:0013561, OMIM 614078.

Allele frequency attached by ClinVar (database versions not stated): 1000 Genomes Project 0.00300; gnomAD 0.00306 and 0.00324; TOPMed 0.00330; 1000 Genomes Project 30x 0.00359.

Submission:

Illumina Laboratory Services, Illumina
Classification: Likely benign for Chondrodysplasia with joint dislocations, gPAPP type. Last evaluated: 2018-01-12. Review status: criteria provided, single submitter. Criteria: ICSL Variant Classification Criteria 13 December 2019. Collection method: clinical testing. Allele origin: germline.
Comment: This variant was observed in the ICSL laboratory as part of a predisposition screen in an ostensibly healthy population. It had not been previously curated by ICSL or reported in the Human Gene Mutation Database (HGMD: prior to June 1st, 2018), and was therefore a candidate for classification through an automated scoring system. Utilizing variant allele frequency, disease prevalence and penetrance estimates, and inheritance mode, an automated score was calculated to assess if this variant is too frequent to cause the disease. Based on the score and internal cut-off values, a variant classified as likely benign is not then subjected to further curation. The score for this variant resulted in a classification of likely benign for this disease.